The following is an entry in ClinVar:

ClinVar aggregate classification (germline): Uncertain significance. Review status: criteria provided, multiple submitters, no conflicts (2 of 4 stars). 2 submissions from 2 submitters: Uncertain significance (2). Last evaluated 2025-11-14.

Conditions:
Charcot-Marie-Tooth disease type 2. Also called: Charcot-Marie-Tooth type 2. Identifiers: Orphanet 64746, MedGen C0270914, MONDO:0018993.

Allele frequency attached by ClinVar (database versions not stated): gnomAD exomes below 0.00001.
gnomAD v4.1: 1 of 1,614,114 alleles (0.000062%); highest among the groups gnomAD compares: South Asian, 0.0011%; no homozygotes.

Submissions (2):

GeneDx
Classification: Uncertain significance. Last evaluated: 2025-11-14. Review status: criteria provided, single submitter. Criteria: GeneDx Variant Classification Process June 2021. Collection method: clinical testing. Allele origin: germline.
Comment: Not observed at significant frequency in large population cohorts (gnomAD); In silico analysis supports that this missense variant has a deleterious effect on protein structure/function; Has not been previously published as pathogenic or benign to our knowledge; This variant is associated with the following publications: (PMID: 25817015)

Labcorp Genetics (formerly Invitae), Labcorp
Classification: Uncertain significance for Charcot-Marie-Tooth disease type 2. Last evaluated: 2023-05-22. Review status: criteria provided, single submitter. Criteria: Invitae Variant Classification Sherloc (09022015). Collection method: clinical testing. Allele origin: germline.
Comment: This variant is not present in population databases (gnomAD no frequency). This variant has not been reported in the literature in individuals affected with AARS-related conditions. An algorithm developed to predict the effect of missense changes on protein structure and function (PolyPhen-2) suggests that this variant is likely to be disruptive. In summary, the available evidence is currently insufficient to determine the role of this variant in disease. Therefore, it has been classified as a Variant of Uncertain Significance. This sequence change replaces phenylalanine, which is neutral and non-polar, with leucine, which is neutral and non-polar, at codon 49 of the AARS protein (p.Phe49Leu).

NM_001605.3(AARS1):c.147T>G (p.Phe49Leu)

Gene: AARS1 (alanyl-tRNA synthetase 1; minus strand). Cytogenetic location: 16q22.1.
Variant type: single nucleotide variant.
Coding change: c.147T>G on transcript NM_001605.3 (MANE Select); coding-DNA position 147, T replaced by G.
Protein change: p.Phe49Leu; replaces phenylalanine 49 with leucine.
Molecular consequence: missense variant.
Genome position (GRCh38, 1-based): chr16:70,277,152, A>C on the plus strand (T>G on the coding strand, the complement: AARS1 is on the minus strand). VCF-style: chr16-70277152-A-C. GRCh37 (hg19) VCF-style: chr16-70311055-A-C.
Other names: short protein forms F49L.
Identifiers: ClinVar variation 2775614 (VCV002775614.5), dbSNP rs2507029868, ClinGen allele CA396569853.
Genomic context (GRCh38, chr16:70,277,152, plus strand): 5'-AGCTCTGCTCAGCTTTGCCATGGGGTGAGATGGGTCAATTGTGTTCAGGAAAATGGGTTT[A>C]AACTAAAAGAGAAGGACAGCAGTTCAACTTTTAAAGGGTGCAAGTGATGTCAGGTGGCCA-3'
Protein context (NP_001596.2, residues 39-59): LLFANAGMNQ[Phe49Leu]KPIFLNTIDP